The following is an entry in ClinVar:

ClinVar aggregate classification (germline): Uncertain significance (1 of 4 stars; one submission).

Conditions:
Neurodevelopmental disorder with severe motor impairment and absent language. Also called: NEURODEVELOPMENTAL DISORDER WITH VARIABLE MOTOR AND LANGUAGE IMPAIRMENT. Identifiers: Orphanet 647788, MedGen C4540496, MONDO:0060622, OMIM 617804.

Submission:

Victorian Clinical Genetics Services, Murdoch Childrens Research Institute
Classification: Uncertain significance for Neurodevelopmental disorder with severe motor impairment and absent language. Last evaluated: 2024-10-10. Review status: criteria provided, single submitter. Criteria: ACMG Guidelines, 2015. Collection method: clinical testing. Allele origin: germline. Inheritance: Autosomal dominant inheritance. Affected: yes.
Comment: Based on the classification scheme VCGS_Germline_v1.3.5, this variant is classified as VUS-3B. Following criteria are met: 0102 - Loss of function is a known mechanism of disease in this gene and is associated with neurodevelopmental disorder with severe motor impairment and absent language (MIM#617804). (I) 0107 - This gene is associated with autosomal dominant disease. (I) 0216 - In-frame deletion in a non-repetitive region that has low conservation. (SP) 0251 - This variant is heterozygous. (I) 0301 - Variant is absent from gnomAD (v2, v3 and v4). (SP) 0604 - Variant is not located in an established domain, motif, hotspot or informative constraint region. (I) 0705 - No comparable in-frame deletion variants have previous evidence for pathogenicity. (I) 0807 - This variant has no previous evidence of pathogenicity. (I) 0905 - No published segregation evidence has been identified for this variant. (I) 1007 - No published functional evidence has been identified for this variant. (I) 1207 - Parental origin of the variant is unresolved. (I) Legend: (SP) - Supporting pathogenic, (I) - Information, (SB) - Supporting benign

NM_138615.3(DHX30):c.3407_3469del (p.Arg1136_Glu1156del)

Gene: DHX30 (DExH-box helicase 30; plus strand). Cytogenetic location: 3p21.31.
Variant type: Deletion.
Coding change: c.3407_3469del on transcript NM_138615.3 (MANE Select); coding-DNA positions 3407 to 3469, 63 bases deleted.
Protein change: p.Arg1136_Glu1156del.
Genome position (GRCh38, 1-based): chr3:47,849,942-47,850,004, 63 bases deleted. GRCh37 (hg19): chr3:47,891,432-47,891,494.
Other names: c.3323_3385del, p.Arg1108_Glu1128del (NM_001330990.2); c.3290_3352del, p.Arg1097_Glu1117del (NM_014966.4).
Identifiers: ClinVar variation 3377049 (VCV003377049.1).